The following is an entry in ClinVar:

NM_002476.2(MYL4):c.296G>A (p.Gly99Asp)

Gene: MYL4 (myosin light chain 4; plus strand). Cytogenetic location: 17q21.32.
Variant type: single nucleotide variant.
Coding change: c.296G>A on transcript NM_002476.2 (MANE Select); coding-DNA position 296, G replaced by A.
Protein change: p.Gly99Asp; replaces glycine 99 with aspartic acid.
Molecular consequence: missense variant.
Genome position (GRCh38, 1-based): chr17:47,220,036, G>A. VCF-style: chr17-47220036-G-A. GRCh37 (hg19) VCF-style: chr17-45297402-G-A.
Other names: c.296G>A, p.Gly99Asp (NM_001002841.2); short protein forms G99D.
Identifiers: ClinVar variation 3679942 (VCV003679942.2).

ClinVar aggregate classification (germline): Uncertain significance (1 of 4 stars; one submission).

Conditions:
Atrial fibrillation, familial, 18 (ATFB18). Identifiers: MedGen C4310636, MONDO:0015001, OMIM 617280.

gnomAD v4.1: 5 of 1,613,554 alleles (0.00031%); highest among the groups gnomAD compares: Non-Finnish European, 0.00042%; no homozygotes.

Submission:

Labcorp Genetics (formerly Invitae), Labcorp
Classification: Uncertain significance for Atrial fibrillation, familial, 18. Last evaluated: 2024-12-17. Review status: criteria provided, single submitter. Criteria: Invitae Variant Classification Sherloc (09022015). Collection method: clinical testing. Allele origin: germline.
Comment: This sequence change replaces glycine, which is neutral and non-polar, with aspartic acid, which is acidic and polar, at codon 99 of the MYL4 protein (p.Gly99Asp). This variant is not present in population databases (gnomAD no frequency). This variant has not been reported in the literature in individuals affected with MYL4-related conditions. An algorithm developed to predict the effect of missense changes on protein structure and function (PolyPhen-2) suggests that this variant is likely to be disruptive. In summary, the available evidence is currently insufficient to determine the role of this variant in disease. Therefore, it has been classified as a Variant of Uncertain Significance.